The following is an entry in ClinVar:

ClinVar aggregate classification (germline): Uncertain significance (1 of 4 stars; one submission).

Conditions:
Intellectual developmental disorder, X-linked, syndromic, Siderius type. Also called: Syndromic X-linked intellectual disability Siderius type. Identifiers: Orphanet 85287, MedGen C1846055, MONDO:0010286, OMIM 300263.

gnomAD v4.1: 4 of 1,211,036 alleles (0.00033%); highest among the groups gnomAD compares: Non-Finnish European, 0.00045%; no homozygotes.

Submission:

Baylor Genetics
Classification: Uncertain significance for Intellectual developmental disorder, X-linked, syndromic, Siderius type. Last evaluated: 2020-03-29. Review status: criteria provided, single submitter. Criteria: ACMG Guidelines, 2015. Collection method: clinical testing. Allele origin: unknown. Affected: yes.
Comment: This variant was determined to be of uncertain significance according to ACMG Guidelines, 2015 [PMID:25741868].

NM_015107.3(PHF8):c.2345G>C (p.Arg782Pro)

Gene: PHF8 (PHD finger protein 8; minus strand). Cytogenetic location: Xp11.22.
Variant type: single nucleotide variant.
Coding change: c.2345G>C on transcript NM_015107.3 (MANE Select); coding-DNA position 2345, G replaced by C.
Protein change: p.Arg782Pro; replaces arginine 782 with proline.
Molecular consequence: missense variant.
Genome position (GRCh38, 1-based): chrX:53,985,012, C>G on the plus strand (G>C on the coding strand, the complement: PHF8 is on the minus strand). VCF-style: chrX-53985012-C-G. GRCh37 (hg19) VCF-style: chrX-54011445-C-G.
Other names: c.2453G>C, p.Arg818Pro (NM_001184896.1); c.2042G>C, p.Arg681Pro (NM_001184897.2); c.2294G>C, p.Arg765Pro (NM_001184898.2); short protein forms R765P, R782P, R681P, R818P.
Identifiers: ClinVar variation 1030462 (VCV001030462.1), dbSNP rs782358977, ClinGen allele CA413252052.
Genomic context (GRCh38, chrX:53,985,012, plus strand): 5'-TGTTCATCCAGACTGGCGTTCTCCTCCTCCTCCTCGCTCTCGGTTCTCCAGTATGCTGGC[C>G]GCTTGATGGGCCGCTTCCCTGGGGTGCGCTGGGAAGCAGGACTGTTAGACACTGTGCCCA-3'
Protein context (NP_055922.1, residues 772-792): QRTPGKRPIK[Arg782Pro]PAYWRTESEE